The following is an entry in ClinVar:

ClinVar aggregate classification (germline): Uncertain significance (1 of 4 stars; one submission).

gnomAD v4.1: 25 of 1,607,162 alleles (0.0016%); highest among the groups gnomAD compares: Middle Eastern, 0.033%; no homozygotes.

Submission:

Mayo Clinic Laboratories, Mayo Clinic
Classification: Uncertain significance. Last evaluated: 2025-08-15. Review status: criteria provided, single submitter. Criteria: ACMG Guidelines, 2015. Collection method: clinical testing. Allele origin: germline. Observed: 1 variant allele.
Comment: PM2_supporting

NM_001267550.2(TTN):c.60929G>A (p.Arg20310His)

Genes: TTN (titin; minus strand), TTN-AS1 (TTN antisense RNA 1; plus strand). Cytogenetic location: 2q31.2.
Variant type: single nucleotide variant.
Coding change: c.60929G>A on transcript NM_001267550.2 (MANE Select); coding-DNA position 60929, G replaced by A.
Protein change: p.Arg20310His; replaces arginine 20310 with histidine.
Molecular consequence: missense variant.
Genome position (GRCh38, 1-based): chr2:178,590,796, C>T on the plus strand (G>A on the coding strand, the complement: TTN is on the minus strand). VCF-style: chr2-178590796-C-T. GRCh37 (hg19) VCF-style: chr2-179455523-C-T.
Other names: p.Arg18669His; c.56006G>A, p.Arg18669His (NM_001256850.1); c.33734G>A, p.Arg11245His (NM_003319.4); c.53225G>A, p.Arg17742His (NM_133378.4); c.34109G>A, p.Arg11370His (NM_133432.3); c.34310G>A, p.Arg11437His (NM_133437.4); short protein forms R17742H, R18669H, R20310H, R11245H, R11370H, R11437H.
Identifiers: ClinVar variation 4540729 (VCV004540729.1).